The following is an entry in ClinVar:

NM_021930.6(RINT1):c.124C>G (p.Gln42Glu)

Gene: RINT1 (RAD50 interactor 1; plus strand). Cytogenetic location: 7q22.3.
Variant type: single nucleotide variant.
Coding change: c.124C>G on transcript NM_021930.6 (MANE Select); coding-DNA position 124, C replaced by G.
Protein change: p.Gln42Glu; replaces glutamine 42 with glutamic acid.
Molecular consequence: missense variant. On other transcripts: 5 prime UTR variant (3), non-coding transcript variant (1).
Genome position (GRCh38, 1-based): chr7:105,536,600, C>G. VCF-style: chr7-105536600-C-G. GRCh37 (hg19) VCF-style: chr7-105177047-C-G.
Other names: c.27C>G, p.Asn9Lys (NM_001346599.2); c.-896C>G (NM_001346600.2); c.-799C>G (NM_001346601.2); c.-419C>G (NM_001346603.2); short protein forms N9K, Q42E.
Identifiers: ClinVar variation 3945962 (VCV003945962.1).

ClinVar aggregate classification (germline): Uncertain significance (1 of 4 stars; one submission).

Submission:

Ambry Genetics
Classification: Uncertain significance. Last evaluated: 2025-04-29. Review status: criteria provided, single submitter. Criteria: Ambry Variant Classification Scheme 2023. Collection method: clinical testing. Allele origin: germline.
Comment: The p.Q42E variant (also known as c.124C>G), located in coding exon 3 of the RINT1 gene, results from a C to G substitution at nucleotide position 124. The glutamine at codon 42 is replaced by glutamic acid, an amino acid with highly similar properties. This amino acid position is conserved. In addition, this alteration is predicted to be tolerated by in silico analysis. Based on the available evidence, the clinical significance of this variant remains unclear.